The following is an entry in ClinVar:

NM_000293.3(PHKB):c.589G>A (p.Asp197Asn)

Gene: PHKB (phosphorylase kinase regulatory subunit beta; plus strand). Cytogenetic location: 16q12.1.
Variant type: single nucleotide variant.
Coding change: c.589G>A on transcript NM_000293.3 (MANE Select); coding-DNA position 589, G replaced by A.
Protein change: p.Asp197Asn; replaces aspartic acid 197 with asparagine.
Molecular consequence: missense variant.
Genome position (GRCh38, 1-based): chr16:47,515,596, G>A. VCF-style: chr16-47515596-G-A. GRCh37 (hg19) VCF-style: chr16-47549507-G-A.
Other names: c.568G>A, p.Asp190Asn (NM_001031835.3); c.589G>A, p.Asp197Asn (NM_001363837.1); c.589G>A (NM_000293.2); short protein forms D197N, D190N.
Identifiers: ClinVar variation 1932859 (VCV001932859.3), dbSNP rs757713533, ClinGen allele CA8040533.
Genomic context (GRCh38, chr16:47,515,596, plus strand): 5'-CTTTATCTCCTTTACCTTGTGGAAATGATTTCCTCAGGACTCCAGATTATCTACAACACT[G>A]ATGAGGTATGCTTTCCCCAAATTTTCTATTACTAAATTTCACCTCTGAAAATATCTATTT-3'
Protein context (NP_000284.1, residues 187-207): SSGLQIIYNT[Asp197Asn]EVSFIQNLVF

ClinVar aggregate classification (germline): Uncertain significance. Review status: criteria provided, multiple submitters, no conflicts (2 of 4 stars). 2 submissions from 2 submitters: Uncertain significance (2). Last evaluated 2024-09-27.

Conditions:
Inborn genetic diseases. Identifiers: MedGen C0950123, MeSH D030342.
Glycogen storage disease IXb (GSD9B). Also called: GLYCOGENOSIS OF LIVER AND MUSCLE, AUTOSOMAL RECESSIVE; GSD IXb; PHOSPHORYLASE KINASE DEFICIENCY OF LIVER AND MUSCLE, AUTOSOMAL RECESSIVE. Identifiers: Orphanet 79240, MedGen C0543514, MONDO:0009868, OMIM 261750.

Allele frequency attached by ClinVar (database versions not stated): gnomAD exomes below 0.00001; ExAC 0.00001; gnomAD 0.00001; TOPMed 0.00002.
gnomAD v4.1: 3 of 1,340,064 alleles (0.00022%); highest among the groups gnomAD compares: Admixed American, 0.0017%; no homozygotes.

Submissions (2):

Ambry Genetics
Classification: Uncertain significance for Inborn genetic diseases. Last evaluated: 2024-09-27. Review status: criteria provided, single submitter. Criteria: Ambry Variant Classification Scheme 2023. Collection method: clinical testing. Allele origin: germline.

Labcorp Genetics (formerly Invitae), Labcorp
Classification: Uncertain significance for Glycogen storage disease IXb. Last evaluated: 2022-07-03. Review status: criteria provided, single submitter. Criteria: Invitae Variant Classification Sherloc (09022015). Collection method: clinical testing. Allele origin: germline.
Comment: This sequence change replaces aspartic acid, which is acidic and polar, with asparagine, which is neutral and polar, at codon 197 of the PHKB protein (p.Asp197Asn). This variant is present in population databases (rs757713533, gnomAD 0.007%). This variant has not been reported in the literature in individuals affected with PHKB-related conditions. Algorithms developed to predict the effect of missense changes on protein structure and function are either unavailable or do not agree on the potential impact of this missense change (SIFT: "Deleterious"; PolyPhen-2: "Benign"; Align-GVGD: "Class C0"). In summary, the available evidence is currently insufficient to determine the role of this variant in disease. Therefore, it has been classified as a Variant of Uncertain Significance.